The following is an entry in ClinVar:

ClinVar aggregate classification (germline): Uncertain significance (1 of 4 stars; one submission).

Allele frequency attached by ClinVar (database versions not stated): gnomAD exomes below 0.00001; gnomAD 0.00001.
gnomAD v4.1: 2 of 1,599,286 alleles (0.00013%); highest among the groups gnomAD compares: Non-Finnish European, 0.00017%; no homozygotes.

Submission:

Labcorp Genetics (formerly Invitae), Labcorp
Classification: Uncertain significance. Last evaluated: 2021-07-18. Review status: criteria provided, single submitter. Criteria: Invitae Variant Classification Sherloc (09022015). Collection method: clinical testing. Allele origin: germline.
Comment: In summary, the available evidence is currently insufficient to determine the role of this variant in disease. Therefore, it has been classified as a Variant of Uncertain Significance. Advanced modeling of protein sequence and biophysical properties (such as structural, functional, and spatial information, amino acid conservation, physicochemical variation, residue mobility, and thermodynamic stability) performed at Invitae indicates that this missense variant is not expected to disrupt CDHR1 protein function. This variant has not been reported in the literature in individuals affected with CDHR1-related conditions. This variant is not present in population databases (ExAC no frequency). This sequence change replaces lysine with methionine at codon 850 of the CDHR1 protein (p.Lys850Met). The lysine residue is highly conserved and there is a moderate physicochemical difference between lysine and methionine.

NM_033100.4(CDHR1):c.2549A>T (p.Lys850Met)

Gene: CDHR1 (cadherin related family member 1; plus strand). Cytogenetic location: 10q23.1.
Variant type: single nucleotide variant.
Coding change: c.2549A>T on transcript NM_033100.4 (MANE Select); coding-DNA position 2549, A replaced by T.
Protein change: p.Lys850Met; replaces lysine 850 with methionine.
Molecular consequence: missense variant. On other transcripts: intron variant (1).
Genome position (GRCh38, 1-based): chr10:84,214,590, A>T. VCF-style: chr10-84214590-A-T. GRCh37 (hg19) VCF-style: chr10-85974346-A-T.
Other names: c.2040+1242A>T (NM_001171971.3); short protein forms K850M.
Identifiers: ClinVar variation 1380620 (VCV001380620.8), dbSNP rs1362213999, ClinGen allele CA377380316.